The following is an entry in ClinVar:

NM_001004334.4(GPR179):c.5449A>T (p.Ile1817Phe)

Gene: GPR179 (G protein-coupled receptor 179; minus strand). Cytogenetic location: 17q12.
Variant type: single nucleotide variant.
Coding change: c.5449A>T on transcript NM_001004334.4 (MANE Select); coding-DNA position 5449, A replaced by T.
Protein change: p.Ile1817Phe; replaces isoleucine 1817 with phenylalanine.
Molecular consequence: missense variant.
Genome position (GRCh38, 1-based): chr17:38,328,120, T>A on the plus strand (A>T on the coding strand, the complement: GPR179 is on the minus strand). VCF-style: chr17-38328120-T-A. GRCh37 (hg19) VCF-style: chr17-36484003-T-A.
Other names: short protein forms I1817F.
Identifiers: ClinVar variation 1495855 (VCV001495855.8), dbSNP rs1446631606, ClinGen allele CA398871854.

ClinVar aggregate classification (germline): Uncertain significance (1 of 4 stars; one submission).

Allele frequency attached by ClinVar (database versions not stated): gnomAD 0.00002.

Submission:

Labcorp Genetics (formerly Invitae), Labcorp
Classification: Uncertain significance. Last evaluated: 2020-10-31. Review status: criteria provided, single submitter. Criteria: Invitae Variant Classification Sherloc (09022015). Collection method: clinical testing. Allele origin: germline.
Comment: This sequence change replaces isoleucine with phenylalanine at codon 1817 of the GPR179 protein (p.Ile1817Phe). The isoleucine residue is weakly conserved and there is a small physicochemical difference between isoleucine and phenylalanine. This variant is not present in population databases (ExAC no frequency). This variant has not been reported in the literature in individuals with GPR179-related conditions. Algorithms developed to predict the effect of missense changes on protein structure and function are either unavailable or do not agree on the potential impact of this missense change (SIFT: "Deleterious"; PolyPhen-2: "Benign"; Align-GVGD: "Class C0"). In summary, the available evidence is currently insufficient to determine the role of this variant in disease. Therefore, it has been classified as a Variant of Uncertain Significance.